The following is an entry in ClinVar:

NM_001080467.3(MYO5B):c.5313+1G>C

Genes: SNHG22 (small nucleolar RNA host gene 22; plus strand), MYO5B (myosin VB; minus strand). Cytogenetic location: 18q21.1.
Variant type: single nucleotide variant.
Coding change: c.5313+1G>C on transcript NM_001080467.3 (MANE Select); the canonical splice donor site of the intron after coding-DNA position 5313, G replaced by C.
Molecular consequence: splice donor variant.
Genome position (GRCh38, 1-based): chr18:49,836,710, C>G on the plus strand (G>C on the coding strand, the complement: MYO5B is on the minus strand). VCF-style: chr18-49836710-C-G. GRCh37 (hg19) VCF-style: chr18-47363080-C-G.
Identifiers: ClinVar variation 488386 (VCV000488386.4), dbSNP rs1555793103, ClinGen allele CA402419744.

ClinVar aggregate classification (germline): Likely pathogenic (1 of 4 stars; one submission).

Conditions:
Congenital microvillous atrophy (DIAR2). Also called: Diarrhea 2 with microvillus atrophy, with or without cholestasis; MICROVILLUS ATROPHY, CONGENITAL; Microvillus inclusion disease; CONGENITAL FAMILIAL PROTRACTED DIARRHEA WITH ENTEROCYTE BRUSH-BORDER ABNORMALITIES; DAVIDSON DISEASE. Identifiers: Orphanet 2290, MedGen C0341306, MONDO:0009635, OMIM 251850.

Submission:

Victorian Clinical Genetics Services, Murdoch Childrens Research Institute
Classification: Likely pathogenic for Congenital microvillous atrophy. Last evaluated: 2022-02-02. Review status: criteria provided, single submitter. Criteria: ACMG Guidelines, 2015. Collection method: clinical testing. Allele origin: germline. Inheritance: Autosomal recessive inheritance.
Comment: Based on the classification scheme VCGS_Germline_v1.3.4, this variant is classified as Likely pathogenic. Following criteria are met: 0102 - Loss of function is a known mechanism of disease in this gene and is associated with diarrhea 2, with microvillus atrophy (MIM#251850). (I) 0106 - This gene is associated with autosomal recessive disease. (I) 0211 - Canonical splice site variant without proven consequence on splicing (no functional evidence available). (SP) 0251 - This variant is heterozygous. (I) 0301 - Variant is absent from gnomAD (both v2 and v3). (SP) 0505 - Abnormal splicing is predicted by in silico tools and affected nucleotide is highly conserved. (SP) 0704 - Another canonical splice region variant comparable to the one identified in this case has limited previous evidence for pathogenicity. The variant c.5313+1G>A has been reported as pathogenic in Global Variome shared LOVD. (SP) 0807 - This variant has no previous evidence of pathogenicity. (I) 0905 - No published segregation evidence has been identified for this variant. (I) 1007 - No published functional evidence has been identified for this variant. (I) 1201 - Heterozygous variant detected in trans with a second pathogenic heterozygous variant (p.Thr1636Profs*26) in a recessive disease. (I)